The following is an entry in ClinVar:

NM_001009944.3(PKD1):c.1580_1582dup (p.Ser527_Tyr528insCys)

Gene: PKD1 (polycystin 1, transient receptor potential channel interacting; minus strand). Cytogenetic location: 16p13.3.
Variant type: Duplication.
Coding change: c.1580_1582dup on transcript NM_001009944.3 (MANE Select); coding-DNA positions 1580 to 1582, 3 bases duplicated (GCT; older notation c.1580_1582dupGCT).
Protein change: p.Ser527_Tyr528insCys.
Molecular consequence: inframe insertion.
Genome position (GRCh38, 1-based): chr16:2,116,857-2,116,859, AGC duplicated on the plus strand (GCT on the coding strand, the reverse complement: PKD1 is on the minus strand). VCF-style (leftmost placement, unchanged base first): chr16-2116856-T-TAGC. GRCh37 (hg19) VCF-style: chr16-2166857-T-TAGC.
Other names: c.1580_1582dup, p.Ser527_Tyr528insCys (NM_000296.4).
Identifiers: ClinVar variation 5038230 (VCV005038230.1).

ClinVar aggregate classification (germline): Uncertain significance (1 of 4 stars; one submission).

Conditions:
Polycystic kidney disease, adult type (PKD1). Also called: Polycystic Kidney Disease 1, Autosomal Dominant; POLYCYSTIC KIDNEY DISEASE, ADULT, TYPE I; Polycystic kidney disease 1; Polycystic kidney disease 1, severe; POLYCYSTIC KIDNEY DISEASE 1 WITH OR WITHOUT POLYCYSTIC LIVER DISEASE; Polycystic Kidney, Autosomal Dominant. Identifiers: MedGen C3149841, MONDO:0008263, OMIM 173900.

Submission:

MVZ Medizinische Genetik Mainz
Classification: Uncertain significance for Polycystic kidney disease, adult type. Last evaluated: 2026-06-12. Review status: criteria provided, single submitter. Criteria: UK Practice Guidelines For Variant Classification V4 01 2020. Collection method: clinical testing. Allele origin: germline. Inheritance: Autosomal dominant inheritance. Affected: yes. Observed: 1 variant allele.
Comment: ACMG Criteria: PM2_SUP,PM4_SUP,PP4